The following is an entry in ClinVar:

NM_018136.5(ASPM):c.9540G>A (p.Gln3180=)

Gene: ASPM (assembly factor for spindle microtubules; minus strand). Cytogenetic location: 1q31.3.
Variant type: single nucleotide variant.
Coding change: c.9540G>A on transcript NM_018136.5 (MANE Select); coding-DNA position 9540, G replaced by A.
Protein change: p.Gln3180=; no amino-acid change (glutamine 3180 retained).
Molecular consequence: synonymous variant.
Genome position (GRCh38, 1-based): chr1:197,090,946, C>T on the plus strand (G>A on the coding strand, the complement: ASPM is on the minus strand). VCF-style: chr1-197090946-C-T. GRCh37 (hg19) VCF-style: chr1-197060076-C-T.
Other names: c.4785G>A, p.Gln1595= (NM_001206846.2).
Identifiers: ClinVar variation 294600 (VCV000294600.32), dbSNP rs530083972, ClinGen allele CA1308930.

ClinVar aggregate classification (germline): Conflicting classifications of pathogenicity. Review status: criteria provided, conflicting classifications (1 of 4 stars). 2 submissions from 2 submitters: Uncertain significance (1); Likely benign (1). Last evaluated 2023-06-01.

Conditions:
Microcephaly 5, primary, autosomal recessive (MCPH5). Also called: ASPM Primary Microcephaly. Identifiers: Orphanet 2512, MedGen C1837501, MONDO:0012106, OMIM 608716.

Allele frequency attached by ClinVar (database versions not stated): gnomAD below 0.00001 and 0.00009; TOPMed 0.00002; gnomAD exomes 0.00016 and 0.00029; ExAC 0.00031; 1000 Genomes Project 30x 0.00062; 1000 Genomes Project 0.00080.
gnomAD v4.1: 242 of 1,613,328 alleles (0.015%); highest among the groups gnomAD compares: South Asian, 0.24%; 3 homozygotes.

Submissions (2):

CeGaT Center for Human Genetics Tuebingen
Classification: Likely benign. Last evaluated: 2023-06-01. Review status: criteria provided, single submitter. Criteria: CeGaT Center For Human Genetics Tuebingen Variant Classification Criteria Version 2. Collection method: clinical testing. Allele origin: germline. Affected: yes. Observed: 2 variant alleles.
Comment: ASPM: BP4, BP7

Illumina Laboratory Services, Illumina
Classification: Uncertain significance for Microcephaly 5, primary, autosomal recessive. Last evaluated: 2018-01-13. Review status: criteria provided, single submitter. Criteria: ICSL Variant Classification Criteria 13 December 2019. Collection method: clinical testing. Allele origin: germline.